The following is an entry in ClinVar:

ClinVar aggregate classification (germline): Uncertain significance (1 of 4 stars; one submission).

Conditions:
Glanzmann thrombasthenia. Also called: BLEEDING DISORDER, PLATELET-TYPE, 2; THROMBASTHENIA OF GLANZMANN AND NAEGELI; Thrombasthenia; PLATELET GLYCOPROTEIN IIb-IIIa DEFICIENCY; Glanzmann's thrombasthenia. Identifiers: Orphanet 849, MedGen C0040015, MONDO:0100326.

Allele frequency attached by ClinVar (database versions not stated): gnomAD 0.00001; TOPMed 0.00001.
gnomAD v4.1: 3 of 1,614,100 alleles (0.00019%); highest among the groups gnomAD compares: East Asian, 0.0022%; no homozygotes.

Submission:

Labcorp Genetics (formerly Invitae), Labcorp
Classification: Uncertain significance for Glanzmann thrombasthenia. Last evaluated: 2022-09-27. Review status: criteria provided, single submitter. Criteria: Invitae Variant Classification Sherloc (09022015). Collection method: clinical testing. Allele origin: germline.
Comment: This variant has not been reported in the literature in individuals affected with ITGA2B-related conditions. Advanced modeling of protein sequence and biophysical properties (such as structural, functional, and spatial information, amino acid conservation, physicochemical variation, residue mobility, and thermodynamic stability) performed at Invitae indicates that this missense variant is not expected to disrupt ITGA2B protein function. In summary, the available evidence is currently insufficient to determine the role of this variant in disease. Therefore, it has been classified as a Variant of Uncertain Significance. This sequence change replaces glycine, which is neutral and non-polar, with arginine, which is basic and polar, at codon 462 of the ITGA2B protein (p.Gly462Arg). This variant is not present in population databases (gnomAD no frequency).

NM_000419.5(ITGA2B):c.1384G>A (p.Gly462Arg)

Gene: ITGA2B (integrin subunit alpha 2b; minus strand). Cytogenetic location: 17q21.31.
Variant type: single nucleotide variant.
Coding change: c.1384G>A on transcript NM_000419.5 (MANE Select); coding-DNA position 1384, G replaced by A.
Protein change: p.Gly462Arg; replaces glycine 462 with arginine.
Molecular consequence: missense variant.
Genome position (GRCh38, 1-based): chr17:44,380,888, C>T on the plus strand (G>A on the coding strand, the complement: ITGA2B is on the minus strand). VCF-style: chr17-44380888-C-T. GRCh37 (hg19) VCF-style: chr17-42458256-C-T.
Other names: short protein forms G462R.
Identifiers: ClinVar variation 2146749 (VCV002146749.4), dbSNP rs1460974004, ClinGen allele CA399803477.